The following is an entry in ClinVar:

NM_022168.4(IFIH1):c.373C>A (p.Leu125Met)

Gene: IFIH1 (interferon induced with helicase C domain 1; minus strand). Cytogenetic location: 2q24.2.
Variant type: single nucleotide variant.
Coding change: c.373C>A on transcript NM_022168.4 (MANE Select); coding-DNA position 373, C replaced by A.
Protein change: p.Leu125Met; replaces leucine 125 with methionine.
Molecular consequence: missense variant.
Genome position (GRCh38, 1-based): chr2:162,317,935, G>T on the plus strand (C>A on the coding strand, the complement: IFIH1 is on the minus strand). VCF-style: chr2-162317935-G-T. GRCh37 (hg19) VCF-style: chr2-163174445-G-T.
Other names: short protein forms L125M.
Identifiers: ClinVar variation 1035438 (VCV001035438.6), dbSNP rs139219083, ClinGen allele CA1934844.

ClinVar aggregate classification (germline): Uncertain significance (1 of 4 stars; one submission).

Conditions:
Aicardi-Goutieres syndrome 7 (AGS7). Identifiers: Orphanet 51, MedGen C3888244, MONDO:0014367, OMIM 615846.
Singleton-Merten syndrome 1 (SGMRT1). Also called: Widened medullary cavities of bone, aortic calcification, abnormal dentition, and muscular weakness; Syndrome of widened medullary cavities of the metacarpals and phalanges, aortic calcification and abnormal dentition. Identifiers: Orphanet 85191, MedGen C4225427, MONDO:0024535, OMIM 182250.

Allele frequency attached by ClinVar (database versions not stated): TOPMed 0.00006; ESP Exome Variant Server 0.00015.
gnomAD v4.1: 27 of 1,614,028 alleles (0.0017%); highest among the groups gnomAD compares: Admixed American, 0.005%; no homozygotes.

Submission:

Labcorp Genetics (formerly Invitae), Labcorp
Classification: Uncertain significance for Aicardi-Goutieres syndrome 7; Singleton-Merten syndrome 1. Last evaluated: 2025-12-15. Review status: criteria provided, single submitter. Criteria: Invitae Variant Classification Sherloc (09022015). Collection method: clinical testing. Allele origin: germline.
Comment: This sequence change replaces leucine, which is neutral and non-polar, with methionine, which is neutral and non-polar, at codon 125 of the IFIH1 protein (p.Leu125Met). This variant is present in population databases (rs139219083, gnomAD 0.007%). This missense change has been observed in individual(s) with early‑onset inflammatory bowel disease (PMID: 34185153). This missense change has been observed in at least one individual who was not affected with IFIH1-related conditions (internal data). ClinVar contains an entry for this variant (Variation ID: 1035438). Invitae Evidence Modeling of protein sequence and biophysical properties (such as structural, functional, and spatial information, amino acid conservation, physicochemical variation, residue mobility, and thermodynamic stability) has been performed for this missense variant. However, the output from this modeling did not meet the statistical confidence thresholds required to predict the impact of this variant on IFIH1 protein function. In summary, the available evidence is currently insufficient to determine the role of this variant in disease. Therefore, it has been classified as a Variant of Uncertain Significance.

Literature cited by the submitters: PubMed 34185153.